The following is an entry in ClinVar:

NM_001122630.2(CDKN1C):c.574_598dup (p.Ala200fs)

Gene: CDKN1C (cyclin dependent kinase inhibitor 1C; minus strand). Cytogenetic location: 11p15.4.
Variant type: Indel.
Coding change: c.574_598dup on transcript NM_001122630.2 (MANE Select); coding-DNA positions 574 to 598, 25 bases duplicated (GCCCCGGCCCCGGCCCCGGCCCCCG).
Protein change: p.Ala200fs; shifts the reading frame from alanine 200.
Molecular consequence: frameshift variant. On other transcripts: intron variant (1).
Genome position (GRCh38, 1-based): chr11:2,884,859-2,884,883, CGGGGGCCGGGGCCGGGGCCGGGGC duplicated on the plus strand (GCCCCGGCCCCGGCCCCGGCCCCCG on the coding strand, the reverse complement: CDKN1C is on the minus strand); duplicating any 25 consecutive bases within chr11:2,884,859-2,884,888 gives the same sequence; the c. name uses the placement nearest the transcript's 3' end. VCF-style (leftmost placement, unchanged base first): chr11-2884858-G-GCGGGGGCCGGGGCCGGGGCCGGGGC. GRCh37 (hg19) VCF-style: chr11-2906088-G-GCGGGGGCCGGGGCCGGGGCCGGGGC.
Other names: c.607_631dup, p.Ala211fs (NM_000076.2, NM_001362474.2); c.574_598dup, p.Ala200fs (NM_001122631.2); c.255+319_255+343dup (NM_001362475.2); short protein forms A200fs, A211fs.
Identifiers: ClinVar variation 945302 (VCV000945302.7), dbSNP rs1848931980, ClinGen allele CA1139661757.

ClinVar aggregate classification (germline): Pathogenic (1 of 4 stars; one submission).

Conditions:
Beckwith-Wiedemann syndrome (BWS). Also called: Exomphalos macroglossia gigantism syndrome; EMG SYNDROME. Identifiers: Orphanet 116, MedGen C0004903, MONDO:0007534, OMIM 130650.

Submission:

Labcorp Genetics (formerly Invitae), Labcorp
Classification: Pathogenic for Beckwith-Wiedemann syndrome. Last evaluated: 2019-05-22. Review status: criteria provided, single submitter. Criteria: Invitae Variant Classification Sherloc (09022015). Collection method: clinical testing. Allele origin: germline.
Comment: This sequence change creates a premature translational stop signal (p.Ala211Glyfs*38) in the CDKN1C gene. It is expected to result in an absent or disrupted protein product. The frequency data for this variant in the population databases is considered unreliable, as metrics indicate insufficient coverage at this position in the ExAC database. This variant has not been reported in the literature in individuals with CDKN1C-related conditions. Loss-of-function variants in CDKN1C are known to be pathogenic (PMID: 20503313). For these reasons, this variant has been classified as Pathogenic.

Literature cited by the submitters: PubMed 20503313.